The following is an entry in ClinVar:

NM_000110.4(DPYD):c.2145del (p.Asp716fs)

Genes: DPYD (dihydropyrimidine dehydrogenase; minus strand), DPYD-AS1 (DPYD antisense RNA 1; plus strand). Cytogenetic location: 1p21.3.
Variant type: Deletion.
Coding change: c.2145del on transcript NM_000110.4 (MANE Select); coding-DNA position 2145, one base deleted (T; older notation c.2145delT).
Protein change: p.Asp716fs; shifts the reading frame from aspartic acid 716.
Molecular consequence: frameshift variant. On other transcripts: non-coding transcript variant (1).
Genome position (GRCh38, 1-based): chr1:97,306,211, A deleted on the plus strand (T on the coding strand, the reverse complement: DPYD is on the minus strand). VCF-style (leftmost placement, unchanged base first): chr1-97306210-CA-C. GRCh37 (hg19) VCF-style: chr1-97771766-CA-C.
Other names: short protein forms D716fs.
Identifiers: ClinVar variation 3241365 (VCV003241365.2), dbSNP rs1165702486.
Genomic context (GRCh38, chr1:97,306,210, plus strand): 5'-GGCAACTGATTCAAGTCAAGTTCTTACCTTCCTTTGCAGCTCTTGCGATGCTCACAATAT[CA>C]GTGACATTTGGGGTCAGCTTGGCAAAAAAAGGAATCTGAACAGCTTGCCTAACCCAGCGG-3'

ClinVar aggregate classification (germline): Likely pathogenic. Review status: criteria provided, multiple submitters, no conflicts (2 of 4 stars). 2 submissions from 2 submitters: Likely pathogenic (2). Last evaluated 2026-03-23.

Conditions:
DPYD-related disorder. Also called: DPYD-related condition.
Dihydropyrimidine dehydrogenase deficiency (DPYDD). Also called: Hereditary Thymine-Uraciluria; DPD DEFICIENCY; DPYD DEFICIENCY. Identifiers: Orphanet 1675, MedGen C1959620, MONDO:0010130, OMIM 274270.

Allele frequency attached by ClinVar (database versions not stated): TOPMed 0.00001.

Submissions (2):

PreventionGenetics, part of Exact Sciences
Classification: Likely pathogenic for DPYD-related condition. Last evaluated: 2026-03-23. Review status: criteria provided, single submitter. Criteria: ACMG Guidelines, 2015. Collection method: clinical testing. Allele origin: germline.
Comment: The DPYD c.2145delT variant is predicted to result in a frameshift and premature protein termination (p.Asp716Ilefs*3). To our knowledge, this variant has not been reported in the literature or in a large population database (gnomAD), indicating this variant is rare. Frameshift variants in DPYD are expected to be pathogenic. This variant is interpreted as likely pathogenic.

Baylor Genetics
Classification: Likely pathogenic for Dihydropyrimidine dehydrogenase deficiency. Last evaluated: 2024-02-05. Review status: criteria provided, single submitter. Criteria: ACMG Guidelines, 2015. Collection method: clinical testing. Allele origin: unknown.